The following is an entry in ClinVar:

NM_001453.3(FOXC1):c.116_123del (p.Ala39fs)

Gene: FOXC1 (forkhead box C1; plus strand). Cytogenetic location: 6p25.3.
Variant type: Deletion.
Coding change: c.116_123del on transcript NM_001453.3 (MANE Select); coding-DNA positions 116 to 123, 8 bases deleted (CCATGCCG; older notation c.116_123delCCATGCCG).
Protein change: p.Ala39fs; shifts the reading frame from alanine 39.
Molecular consequence: frameshift variant.
Genome position (GRCh38, 1-based): chr6:1,610,561-1,610,568, CCATGCCG deleted; deleting any 8 consecutive bases within chr6:1,610,558-1,610,568 gives the same sequence; the c. name uses the placement nearest the transcript's 3' end. VCF-style (leftmost placement, unchanged base first): chr6-1610557-ACCGCCATG-A. GRCh37 (hg19) VCF-style: chr6-1610792-ACCGCCATG-A.
Other names: short protein forms A39fs.
Identifiers: ClinVar variation 375421 (VCV000375421.3), dbSNP rs1057519472, ClinGen allele CA16044260.

ClinVar aggregate classification (germline): Pathogenic (0 of 4 stars; one submission).

Conditions:
Axenfeld-Rieger syndrome type 3 (RIEG3). Also called: AXENFELD-RIEGER ANOMALY WITH CARDIAC DEFECTS AND/OR SENSORINEURAL HEARING LOSS. Identifiers: Orphanet 782, MedGen C2678503, MONDO:0011233, OMIM 602482.

Submission:

Genetics and Molecular Pathology, SA Pathology
Classification: Pathogenic for Axenfeld-Rieger syndrome type 3. Review status: no assertion criteria provided. Collection method: clinical testing. Allele origin: unknown. Inheritance: Autosomal dominant inheritance. Affected: yes. Observed: 2 variant alleles, 2 heterozygotes.
Comment: Frame-shift introducing premature terminating codon (PTC) effecting functional haploinufficiency; clinical significance consistent with FOXC1 PTC variants found upstream and down stream of this position - each regarded as pathogenic in published literature.